The following is an entry in ClinVar:

ClinVar aggregate classification (germline): Conflicting classifications of pathogenicity. Review status: criteria provided, conflicting classifications (1 of 4 stars). 2 submissions from 2 submitters: Uncertain significance (1); Likely benign (1). Last evaluated 2023-07-01.

Conditions:
Inborn genetic diseases. Identifiers: MedGen C0950123, MeSH D030342.

Allele frequency attached by ClinVar (database versions not stated): ExAC 0.00001; gnomAD 0.00002; TOPMed 0.00002.
gnomAD v4.1: 21 of 1,608,844 alleles (0.0013%); highest among the groups gnomAD compares: East Asian, 0.0045%; no homozygotes.

Submissions (2):

CeGaT Center for Human Genetics Tuebingen
Classification: Likely benign. Last evaluated: 2023-07-01. Review status: criteria provided, single submitter. Criteria: CeGaT Center For Human Genetics Tuebingen Variant Classification Criteria Version 2. Collection method: clinical testing. Allele origin: germline. Affected: yes. Observed: 1 variant allele.
Comment: SPEN: BP4

Ambry Genetics
Classification: Uncertain significance for Inborn genetic diseases. Last evaluated: 2023-04-20. Review status: criteria provided, single submitter. Criteria: Ambry Variant Classification Scheme 2023. Collection method: clinical testing. Allele origin: germline.

NM_015001.3(SPEN):c.6028C>T (p.Arg2010Cys)

Gene: SPEN (spen family transcriptional repressor; plus strand). Cytogenetic location: 1p36.13.
Variant type: single nucleotide variant.
Coding change: c.6028C>T on transcript NM_015001.3 (MANE Select); coding-DNA position 6028, C replaced by T.
Protein change: p.Arg2010Cys; replaces arginine 2010 with cysteine.
Molecular consequence: missense variant.
Genome position (GRCh38, 1-based): chr1:15,932,268, C>T. VCF-style: chr1-15932268-C-T. GRCh37 (hg19) VCF-style: chr1-16258763-C-T.
Other names: short protein forms R2010C.
Identifiers: ClinVar variation 2539700 (VCV002539700.26), dbSNP rs767932162, ClinGen allele CA619847.